The following is an entry in ClinVar:

ClinVar aggregate classification (germline): Uncertain significance (0 of 4 stars; one submission).

Conditions:
NOS1-related disorder. Also called: NOS1-related condition.

Submission:

PreventionGenetics, part of Exact Sciences
Classification: Uncertain significance for NOS1-related condition. Last evaluated: 2024-07-26. Review status: no assertion criteria provided. Collection method: clinical testing. Allele origin: germline.
Comment: The NOS1 c.3122delA variant is predicted to result in a frameshift and premature protein termination (p.Asn1041Thrfs*43). To our knowledge, this variant has not been reported in the literature or in a large population database, indicating this variant is rare. At this time, the clinical significance of this variant is uncertain due to the absence of conclusive functional and genetic evidence.

NM_000620.5(NOS1):c.3020del (p.Asn1007fs)

Gene: NOS1 (nitric oxide synthase 1; minus strand). Cytogenetic location: 12q24.22.
Variant type: Deletion.
Coding change: c.3020del on transcript NM_000620.5 (MANE Select); coding-DNA position 3020, one base deleted (A; older notation c.3020delA).
Protein change: p.Asn1007fs; shifts the reading frame from asparagine 1007.
Molecular consequence: frameshift variant.
Genome position (GRCh38, 1-based): chr12:117,242,648, T deleted on the plus strand (A on the coding strand, the reverse complement: NOS1 is on the minus strand); the first of 4 consecutive T bases (chr12:117,242,648-117,242,651); deleting any one gives the same sequence. VCF-style (leftmost placement, unchanged base first): chr12-117242647-GT-G. GRCh37 (hg19) VCF-style: chr12-117680452-GT-G.
Other names: c.2012del, p.Asn671fs (NM_001204213.2, NM_001204214.2); c.3122del, p.Asn1041fs (NM_001204218.2); short protein forms N1007fs, N1041fs, N671fs.
Identifiers: ClinVar variation 3350908 (VCV003350908.1).